The following is an entry in ClinVar:

ClinVar aggregate classification (germline): Likely benign. Review status: criteria provided, multiple submitters, no conflicts (2 of 4 stars). 2 submissions from 2 submitters: Likely benign (2). Last evaluated 2018-06-19.

Allele frequency attached by ClinVar (database versions not stated): 1000 Genomes Project 0.00399; 1000 Genomes Project 30x 0.00406; gnomAD 0.00462 and 0.00503; TOPMed 0.00550.

Submissions (2):

GeneDx
Classification: Likely benign. Last evaluated: 2018-06-19. Review status: criteria provided, single submitter. Criteria: GeneDx Variant Classification (06012015). Collection method: clinical testing. Allele origin: germline. Affected: yes.
Comment: This variant is considered likely benign or benign based on one or more of the following criteria: it is a conservative change, it occurs at a poorly conserved position in the protein, it is predicted to be benign by multiple in silico algorithms, and/or has population frequency not consistent with disease.

Breakthrough Genomics
Classification: Likely benign. Review status: criteria provided, single submitter. Criteria: ACMG Guidelines, 2015. Collection method: not provided. Allele origin: germline. Inheritance: Unknown mechanism. Affected: yes.

NM_000748.3(CHRNB2):c.64+185G>A

Gene: CHRNB2 (cholinergic receptor nicotinic beta 2 subunit; plus strand). Cytogenetic location: 1q21.3.
Variant type: single nucleotide variant.
Coding change: c.64+185G>A on transcript NM_000748.3 (MANE Select); 185 bases into the intron after coding-DNA position 64, G replaced by A.
Molecular consequence: intron variant.
Genome position (GRCh38, 1-based): chr1:154,568,293, G>A. VCF-style: chr1-154568293-G-A. GRCh37 (hg19) VCF-style: chr1-154540769-G-A.
Identifiers: ClinVar variation 677678 (VCV000677678.2), dbSNP rs374065637, ClinGen allele CA30832269.